The following is an entry in ClinVar:

ClinVar aggregate classification (germline): Uncertain significance. Review status: criteria provided, multiple submitters, no conflicts (2 of 4 stars). 3 submissions from 3 submitters: Uncertain significance (3). Last evaluated 2022-09-02.

Conditions:
Retinitis pigmentosa 43 (RP43). Identifiers: Orphanet 791, MedGen C3151139, MONDO:0013437, OMIM 613810.

Allele frequency attached by ClinVar (database versions not stated): gnomAD 0.00002 and 0.00003; TOPMed 0.00003; gnomAD exomes 0.00004; ExAC 0.00006; 1000 Genomes Project 30x 0.00016; 1000 Genomes Project 0.00020.
gnomAD v4.1: 46 of 1,614,128 alleles (0.0028%); highest among the groups gnomAD compares: South Asian, 0.015%; no homozygotes.

Submissions (3):

Blueprint Genetics
Classification: Uncertain significance. Last evaluated: 2022-09-02. Review status: criteria provided, single submitter. Criteria: ACMG Guidelines, 2015. Collection method: clinical testing. Allele origin: germline.

Labcorp Genetics (formerly Invitae), Labcorp
Classification: Uncertain significance. Last evaluated: 2022-06-28. Review status: criteria provided, single submitter. Criteria: Invitae Variant Classification Sherloc (09022015). Collection method: clinical testing. Allele origin: germline.
Comment: This sequence change replaces alanine, which is neutral and non-polar, with threonine, which is neutral and polar, at codon 718 of the PDE6A protein (p.Ala718Thr). This variant is present in population databases (rs545847713, gnomAD 0.02%). This missense change has been observed in individual(s) with hereditary retinal dystrophies (Invitae). ClinVar contains an entry for this variant (Variation ID: 954113). Algorithms developed to predict the effect of missense changes on protein structure and function (SIFT, PolyPhen-2, Align-GVGD) all suggest that this variant is likely to be disruptive. In summary, the available evidence is currently insufficient to determine the role of this variant in disease. Therefore, it has been classified as a Variant of Uncertain Significance.

Juno Genomics, Hangzhou Juno Genomics, Inc
Classification: Uncertain significance for Retinitis pigmentosa 43. Review status: criteria provided, single submitter. Criteria: ACMG Guidelines, 2015. Collection method: clinical testing. Allele origin: germline.
Comment: Absent from controls (or at extremely low frequency if recessive) in Genome Aggregation Database.;Multiple lines of computational evidence support a deleterious effect on the gene or gene product.

NM_000440.3(PDE6A):c.2152G>A (p.Ala718Thr)

Gene: PDE6A (phosphodiesterase 6A; minus strand). Cytogenetic location: 5q32.
Variant type: single nucleotide variant.
Coding change: c.2152G>A on transcript NM_000440.3 (MANE Select); coding-DNA position 2152, G replaced by A.
Protein change: p.Ala718Thr; replaces alanine 718 with threonine.
Molecular consequence: missense variant.
Genome position (GRCh38, 1-based): chr5:149,868,142, C>T on the plus strand (G>A on the coding strand, the complement: PDE6A is on the minus strand). VCF-style: chr5-149868142-C-T. GRCh37 (hg19) VCF-style: chr5-149247705-C-T.
Other names: short protein forms A718T.
Identifiers: ClinVar variation 954113 (VCV000954113.7), dbSNP rs545847713, ClinGen allele CA3504385.